The following is an entry in ClinVar:

NM_002615.7(SERPINF1):c.283+1G>T

Genes: SERPINF1 (serpin family F member 1; plus strand), LOC130059892 (ATAC-STARR-seq lymphoblastoid active region 11457; plus strand). Cytogenetic location: 17p13.3.
Variant type: single nucleotide variant.
Coding change: c.283+1G>T on transcript NM_002615.7 (MANE Select); the canonical splice donor site of the intron after coding-DNA position 283, G replaced by T.
Molecular consequence: splice donor variant.
Genome position (GRCh38, 1-based): chr17:1,770,051, G>T. VCF-style: chr17-1770051-G-T. GRCh37 (hg19) VCF-style: chr17-1673345-G-T.
Other names: c.-279+1G>T (NM_001329904.2); c.283+1G>T (NM_001329903.2).
Identifiers: ClinVar variation 2736388 (VCV002736388.3), dbSNP rs1597350158, ClinGen allele CA397584305.

ClinVar aggregate classification (germline): Pathogenic (1 of 4 stars; one submission).

Submission:

Labcorp Genetics (formerly Invitae), Labcorp
Classification: Pathogenic. Last evaluated: 2024-07-21. Review status: criteria provided, single submitter. Criteria: Invitae Variant Classification Sherloc (09022015). Collection method: clinical testing. Allele origin: germline.
Comment: This sequence change affects a donor splice site in intron 3 of the SERPINF1 gene. It is expected to disrupt RNA splicing. Variants that disrupt the donor or acceptor splice site typically lead to a loss of protein function (PMID: 16199547), and loss-of-function variants in SERPINF1 are known to be pathogenic (PMID: 21353196, 21826736). This variant is not present in population databases (gnomAD no frequency). Disruption of this splice site has been observed in individual(s) with osteogenesis imperfecta (PMID: 27796462). In at least one individual the data is consistent with being in trans (on the opposite chromosome) from a pathogenic variant. Algorithms developed to predict the effect of sequence changes on RNA splicing suggest that this variant may disrupt the consensus splice site. For these reasons, this variant has been classified as Pathogenic.

Literature cited by the submitters: PubMed 16199547; PubMed 21353196; PubMed 21826736; PubMed 27796462.